The following is an entry in ClinVar:

ClinVar aggregate classification (germline): Benign (1 of 4 stars; one submission).

Conditions:
Episodic ataxia type 6. Identifiers: Orphanet 209967, MedGen C2675211, MONDO:0012982, OMIM 612656.

Allele frequency attached by ClinVar (database versions not stated): gnomAD 0.00001 and 0.00004; TOPMed 0.00008; gnomAD exomes 0.00020; 1000 Genomes Project 30x 0.00031; 1000 Genomes Project 0.00040.
gnomAD v4.1: 7 of 157,528 alleles (0.0044%); highest among the groups gnomAD compares: East Asian, 0.13%; no homozygotes.

Submission:

Illumina Laboratory Services, Illumina
Classification: Benign for Episodic ataxia type 6. Last evaluated: 2018-01-13. Review status: criteria provided, single submitter. Criteria: ICSL Variant Classification Criteria 13 December 2019. Collection method: clinical testing. Allele origin: germline.
Comment: This variant was observed in the ICSL laboratory as part of a predisposition screen in an ostensibly healthy population. It had not been previously curated by ICSL or reported in the Human Gene Mutation Database (HGMD: prior to June 1st, 2018), and was therefore a candidate for classification through an automated scoring system. Utilizing variant allele frequency, disease prevalence and penetrance estimates, and inheritance mode, an automated score was calculated to assess if this variant is too frequent to cause the disease. Based on the score and internal cut-off values, a variant classified as benign is not then subjected to further curation. The score for this variant resulted in a classification of benign for this disease.

NM_004172.5(SLC1A3):c.*636G>A

Genes: SLC1A3 (solute carrier family 1 member 3; plus strand), SLC1A3-AS1 (SLC1A3 antisense RNA 1; minus strand). Cytogenetic location: 5p13.2.
Variant type: single nucleotide variant.
Coding change: c.*636G>A on transcript NM_004172.5 (MANE Select); 636 bases downstream of the stop codon, G replaced by A.
Molecular consequence: 3 prime UTR variant.
Genome position (GRCh38, 1-based): chr5:36,686,905, G>A. VCF-style: chr5-36686905-G-A. GRCh37 (hg19) VCF-style: chr5-36687007-G-A.
Other names: c.*636G>A (NM_001166695.3, NM_001289939.2, NM_001289940.2).
Identifiers: ClinVar variation 906450 (VCV000906450.4), dbSNP rs182529342, ClinGen allele CA117427441.
Genomic context (GRCh38, chr5:36,686,905, plus strand): 5'-GTCCCATCTCACCTCTAGGCCTCAGTGTCCTCATCTATAAAATGAGGGACTTCCCTAGAA[G>A]TCTTCATGGTCTCTTCCAGCCCAGACATCCTGTGATGTCATGAAAGCACCTGCCCTCTGT-3'